The following is an entry in ClinVar:

ClinVar aggregate classification (germline): Uncertain significance (0 of 4 stars; one submission).

Conditions:
ARID1B-Related Disorder. Identifiers: MedGen CN381337.

Submission:

PreventionGenetics, part of Exact Sciences
Classification: Uncertain significance for ARID1B-related condition. Last evaluated: 2023-10-25. Review status: no assertion criteria provided. Collection method: clinical testing. Allele origin: germline.
Comment: The ARID1B c.1091G>A variant is predicted to result in the amino acid substitution p.Gly364Glu. To our knowledge, this variant has not been reported in the literature or in a large population database, indicating this variant is rare. At this time, the clinical significance of this variant is uncertain due to the absence of conclusive functional and genetic evidence.

NM_001374828.1(ARID1B):c.1340G>A (p.Gly447Glu)

Gene: ARID1B (AT-rich interaction domain 1B; plus strand). Cytogenetic location: 6q25.3.
Variant type: single nucleotide variant.
Coding change: c.1340G>A on transcript NM_001374828.1 (MANE Select); coding-DNA position 1340, G replaced by A.
Protein change: p.Gly447Glu; replaces glycine 447 with glutamic acid.
Molecular consequence: missense variant.
Genome position (GRCh38, 1-based): chr6:156,779,020, G>A. VCF-style: chr6-156779020-G-A. GRCh37 (hg19) VCF-style: chr6-157100154-G-A.
Other names: c.1091G>A, p.Gly364Glu (NM_001346813.1, NM_020732.3); c.1340G>A, p.Gly447Glu (NM_001371656.1, NM_001374820.1, NM_017519.3); c.917G>A, p.Gly306Glu (NM_175863.2); short protein forms G306E, G364E, G447E.
Identifiers: ClinVar variation 3033522 (VCV003033522.2), dbSNP rs2114993657, ClinGen allele CA366384045.